The following is an entry in ClinVar:

NM_001035.3(RYR2):c.10465A>G (p.Ile3489Val)

Gene: RYR2 (ryanodine receptor 2; plus strand). Cytogenetic location: 1q43.
Variant type: single nucleotide variant.
Coding change: c.10465A>G on transcript NM_001035.3 (MANE Select); coding-DNA position 10465, A replaced by G.
Protein change: p.Ile3489Val; replaces isoleucine 3489 with valine.
Molecular consequence: missense variant.
Genome position (GRCh38, 1-based): chr1:237,717,339, A>G. VCF-style: chr1-237717339-A-G. GRCh37 (hg19) VCF-style: chr1-237880639-A-G.
Other names: short protein forms I3489V.
Identifiers: ClinVar variation 2853230 (VCV002853230.3), dbSNP rs2547452505, ClinGen allele CA345414804.
Genomic context (GRCh38, chr1:237,717,339, plus strand): 5'-GCTCTGAAGCGGTTACTGCCCATTGGGTTGAACATCTGTGCCCCTGGGGACCAGGAGCTC[A>G]TTGCTCTGGCCAAAAATCGATTTAGCCTGGTAAGTCTCCTTTTCATCCCAGCGGTAATGA-3'
Protein context (NP_001026.2, residues 3479-3499): NICAPGDQEL[Ile3489Val]ALAKNRFSLK

ClinVar aggregate classification (germline): Uncertain significance (1 of 4 stars; one submission).

Conditions:
Catecholaminergic polymorphic ventricular tachycardia 1. Also called: RYR2-Related Catecholaminergic Polymorphic Ventricular Tachycardia; VENTRICULAR TACHYCARDIA, STRESS-INDUCED POLYMORPHIC 1; VENTRICULAR TACHYCARDIA, CATECHOLAMINERGIC POLYMORPHIC, 1, WITH OR WITHOUT ATRIAL DYSFUNCTION AND/OR DILATED CARDIOMYOPATHY. Identifiers: Orphanet 3286, MedGen C1631597, MONDO:0011484, OMIM 604772.

Submission:

Labcorp Genetics (formerly Invitae), Labcorp
Classification: Uncertain significance for Catecholaminergic polymorphic ventricular tachycardia 1. Last evaluated: 2023-04-07. Review status: criteria provided, single submitter. Criteria: Invitae Variant Classification Sherloc (09022015). Collection method: clinical testing. Allele origin: germline.
Comment: This variant is not present in population databases (gnomAD no frequency). In summary, the available evidence is currently insufficient to determine the role of this variant in disease. Therefore, it has been classified as a Variant of Uncertain Significance. Advanced modeling of protein sequence and biophysical properties (such as structural, functional, and spatial information, amino acid conservation, physicochemical variation, residue mobility, and thermodynamic stability) has been performed at Invitae for this missense variant, however the output from this modeling did not meet the statistical confidence thresholds required to predict the impact of this variant on RYR2 protein function. This variant has not been reported in the literature in individuals affected with RYR2-related conditions. This sequence change replaces isoleucine, which is neutral and non-polar, with valine, which is neutral and non-polar, at codon 3489 of the RYR2 protein (p.Ile3489Val).